The following is an entry in ClinVar:

NM_203486.3(DLL3):c.63C>T (p.Leu21=)

Gene: DLL3 (delta like canonical Notch ligand 3; plus strand). Cytogenetic location: 19q13.2.
Variant type: single nucleotide variant.
Coding change: c.63C>T on transcript NM_203486.3 (MANE Select); coding-DNA position 63, C replaced by T.
Protein change: p.Leu21=; no amino-acid change (leucine 21 retained).
Molecular consequence: synonymous variant.
Genome position (GRCh38, 1-based): chr19:39,499,037, C>T. VCF-style: chr19-39499037-C-T. GRCh37 (hg19) VCF-style: chr19-39989677-C-T.
Other names: c.63C>T, p.Leu21= (NM_016941.4).
Identifiers: ClinVar variation 593380 (VCV000593380.26), dbSNP rs146255899, ClinGen allele CA9432093.

ClinVar aggregate classification (germline): Benign/Likely benign. Review status: criteria provided, multiple submitters, no conflicts (2 of 4 stars). 7 submissions from 6 submitters: Benign (1); Likely benign (6). Last evaluated 2026-01-31.

Conditions:
Syndactyly. Also called: Webbed fingers or toes. Identifiers: MedGen C0039075, MONDO:0021002, HP:0001159.
Spondylocostal dysostosis 1, autosomal recessive (SCDO1). Also called: DLL3-Related Spondylocostal Dysostosis, Autosomal Recessive. Identifiers: Orphanet 2311, MedGen CN032975, MONDO:0020692, OMIM 277300.

Allele frequency attached by ClinVar (database versions not stated): gnomAD exomes 0.00029; ExAC 0.00039; 1000 Genomes Project 30x 0.00078; 1000 Genomes Project 0.00080; ESP Exome Variant Server 0.00092; gnomAD 0.00099 and 0.00109; TOPMed 0.00107.
gnomAD v4.1: 292 of 1,614,076 alleles (0.018%); highest among the groups gnomAD compares: African/African-American, 0.36%; 2 homozygotes.

Submissions (7):

Labcorp Genetics (formerly Invitae), Labcorp
Classification: Benign. Last evaluated: 2026-01-31. Review status: criteria provided, single submitter. Criteria: Invitae Variant Classification Sherloc (09022015). Collection method: clinical testing. Allele origin: germline.

Blueprint Genetics
Classification: Likely benign. Last evaluated: 2024-06-05. Review status: criteria provided, single submitter. Criteria: ACMG Guidelines, 2015. Collection method: clinical testing. Allele origin: germline.

ARUP Laboratories, Molecular Genetics and Genomics, ARUP Laboratories
Classification: Likely benign for Spondylocostal dysostosis 1, autosomal recessive. Last evaluated: 2022-09-13. Review status: criteria provided, single submitter. Criteria: ARUP Molecular Germline Variant Investigation Process 2021. Collection method: clinical testing. Allele origin: germline.

GeneDx
Classification: Likely benign. Last evaluated: 2019-10-22. Review status: criteria provided, single submitter. Criteria: GeneDx Variant Classification Process June 2021. Collection method: clinical testing. Allele origin: germline. Affected: yes.
Comment: See Variant Classification Assertion Criteria.

Illumina Laboratory Services, Illumina
Classification: Likely benign for Spondylocostal dysostosis 1, autosomal recessive. Last evaluated: 2018-01-13. Review status: criteria provided, single submitter. Criteria: ICSL Variant Classification Criteria 13 December 2019. Collection method: clinical testing. Allele origin: germline.
Comment: This variant was observed in the ICSL laboratory as part of a predisposition screen in an ostensibly healthy population. It had not been previously curated by ICSL or reported in the Human Gene Mutation Database (HGMD: prior to June 1st, 2018), and was therefore a candidate for classification through an automated scoring system. Utilizing variant allele frequency, disease prevalence and penetrance estimates, and inheritance mode, an automated score was calculated to assess if this variant is too frequent to cause the disease. Based on the score and internal cut-off values, a variant classified as likely benign is not then subjected to further curation. The score for this variant resulted in a classification of likely benign for this disease.

Illumina Laboratory Services, Illumina
Classification: Likely benign for Non-syndromic syndactyly. Last evaluated: 2018-01-13. Review status: criteria provided, single submitter. Criteria: ICSL Variant Classification Criteria 13 December 2019. Collection method: clinical testing. Allele origin: germline.
Comment: the same text as in the submission from Illumina Laboratory Services, Illumina above.

Eurofins Ntd Llc (ga)
Classification: Likely benign. Last evaluated: 2017-07-31. Review status: criteria provided, single submitter. Criteria: EGL Classification Definitions 2015. Collection method: clinical testing. Allele origin: germline. Observed: 1 variant allele, 1 heterozygote.